The following is an entry in ClinVar:

NM_013444.4(UBQLN2):c.1366A>G (p.Met456Val)

Gene: UBQLN2 (ubiquilin 2; plus strand). Cytogenetic location: Xp11.21.
Variant type: single nucleotide variant.
Coding change: c.1366A>G on transcript NM_013444.4 (MANE Select); coding-DNA position 1366, A replaced by G.
Protein change: p.Met456Val; replaces methionine 456 with valine.
Molecular consequence: missense variant.
Genome position (GRCh38, 1-based): chrX:56,565,239, A>G. VCF-style: chrX-56565239-A-G. GRCh37 (hg19) VCF-style: chrX-56591672-A-G.
Other names: short protein forms M456V.
Identifiers: ClinVar variation 3344277 (VCV003344277.1).

ClinVar aggregate classification (germline): Uncertain significance (0 of 4 stars; one submission).

Conditions:
UBQLN2-related disorder. Also called: UBQLN2-related condition.

Submission:

PreventionGenetics, part of Exact Sciences
Classification: Uncertain significance for UBQLN2-related condition. Last evaluated: 2024-05-21. Review status: no assertion criteria provided. Collection method: clinical testing. Allele origin: germline.
Comment: The UBQLN2 c.1366A>G variant is predicted to result in the amino acid substitution p.Met456Val. To our knowledge, this variant has not been reported in the literature or in a large population database, indicating this variant is rare. At this time, the clinical significance of this variant is uncertain due to the absence of conclusive functional and genetic evidence.